The following is an entry in ClinVar:

ClinVar aggregate classification (germline): Uncertain significance (1 of 4 stars; one submission).

Conditions:
Thrombophilia, X-linked, due to factor 8 defect. Also called: THROMBOPHILIA, X-LINKED, DUE TO FACTOR VIII DEFECT; Thrombophilia 13, X-linked, due to factor VIII defect. Identifiers: MedGen C5676879, MONDO:0859082, OMIM 301071.
Hereditary factor VIII deficiency disease (HEMA). Also called: HEMOPHILIA, CLASSIC; AUTOSOMAL HEMOPHILIA A; Hemophilia A; Hemophilia A, congenital; HEM A; Factor 8 deficiency, congenital. Identifiers: Orphanet 98878, MedGen C0019069, MONDO:0010602, OMIM 306700.

Submission:

Juno Genomics, Hangzhou Juno Genomics, Inc
Classification: Uncertain significance for Hereditary factor VIII deficiency disease; Thrombophilia, X-linked, due to factor 8 defect. Review status: criteria provided, single submitter. Criteria: ACMG Guidelines, 2015. Collection method: clinical testing. Allele origin: germline. Affected: yes.
Comment: Absent from controls (or at extremely low frequency if recessive) in Genome Aggregation Database, Exome Sequencing Project, 1000 Genomes Project, or Exome Aggregation Consortium.;The prevalence of the variant in affected individuals is significantly increased compared to the prevalence in controls.;Patient's phenotype or family history is highly specific for a disease with a single genetic etiology.

NM_000132.4(F8):c.225T>A (p.Asp75Glu)

Gene: F8 (coagulation factor VIII; minus strand). Cytogenetic location: Xq28.
Variant type: single nucleotide variant.
Coding change: c.225T>A on transcript NM_000132.4 (MANE Select); coding-DNA position 225, T replaced by A.
Protein change: p.Asp75Glu; replaces aspartic acid 75 with glutamic acid.
Molecular consequence: missense variant.
Genome position (GRCh38, 1-based): chrX:154,999,519, A>T on the plus strand (T>A on the coding strand, the complement: F8 is on the minus strand). VCF-style: chrX-154999519-A-T. GRCh37 (hg19) VCF-style: chrX-154227794-A-T.
Other names: short protein forms D75E.
Identifiers: ClinVar variation 3382991 (VCV003382991.2).